The following is an entry in ClinVar:

ClinVar aggregate classification (germline): Uncertain significance (1 of 4 stars; one submission).

Allele frequency attached by ClinVar (database versions not stated): gnomAD exomes below 0.00001.
gnomAD v4.1: 1 of 1,584,766 alleles (0.000063%); highest among the groups gnomAD compares: Non-Finnish European, 0.000086%; no homozygotes.

Submission:

Laboratory for Molecular Medicine, Mass General Brigham Personalized Medicine
Classification: Uncertain significance. Last evaluated: 2014-09-09. Review status: criteria provided, single submitter. Criteria: LMM Criteria. Collection method: clinical testing. Allele origin: germline. Observed: 1 variant allele.
Comment: The Glu1835Gly variant in MYO7A has not been previously reported in individuals with hearing loss or in large population studies. Computational prediction tools and conservation analysis do not provide strong support for or against an impac t to the protein. In summary, the clinical significance of the Glu1835Gly varian t is uncertain.

NM_000260.4(MYO7A):c.5504A>G (p.Glu1835Gly)

Gene: MYO7A (myosin VIIA; plus strand). Cytogenetic location: 11q13.5.
Variant type: single nucleotide variant.
Coding change: c.5504A>G on transcript NM_000260.4 (MANE Select); coding-DNA position 5504, A replaced by G.
Protein change: p.Glu1835Gly; replaces glutamic acid 1835 with glycine.
Molecular consequence: missense variant.
Genome position (GRCh38, 1-based): chr11:77,205,485, A>G. VCF-style: chr11-77205485-A-G. GRCh37 (hg19) VCF-style: chr11-76916530-A-G.
Other names: c.5390A>G, p.Glu1797Gly (NM_001127180.2); c.5357A>G, p.Glu1786Gly (NM_001369365.1); short protein forms E1835G, E1797G, E1786G.
Identifiers: ClinVar variation 164718 (VCV000164718.4), dbSNP rs727503331, ClinGen allele CA177395.